The following is an entry in ClinVar:

NM_017654.4(SAMD9):c.2639A>C (p.Glu880Ala)

Gene: SAMD9 (sterile alpha motif domain containing 9; minus strand). Cytogenetic location: 7q21.2.
Variant type: single nucleotide variant.
Coding change: c.2639A>C on transcript NM_017654.4 (MANE Select); coding-DNA position 2639, A replaced by C.
Protein change: p.Glu880Ala; replaces glutamic acid 880 with alanine.
Molecular consequence: missense variant.
Genome position (GRCh38, 1-based): chr7:93,103,459, T>G on the plus strand (A>C on the coding strand, the complement: SAMD9 is on the minus strand). VCF-style: chr7-93103459-T-G. GRCh37 (hg19) VCF-style: chr7-92732772-T-G.
Other names: c.2639A>C, p.Glu880Ala (NM_001193307.2); short protein forms E880A.
Identifiers: ClinVar variation 4827015 (VCV004827015.1).
Genomic context (GRCh38, chr7:93,103,459, plus strand): 5'-ACATTTTCTATGTATTCTTTATTAAAATTGGTTTTCATGATCATAAAGGAATAAAAATCC[T>G]CAAAGTTTTTATGCTGTTCTTTGATTTCTTTCAATTTAAGCTCAAAAGCTCTCTGTTCTT-3'
Protein context (NP_060124.2, residues 870-890): KEIKEQHKNF[Glu880Ala]DFYSFMIMKT

ClinVar aggregate classification (germline): Uncertain significance (1 of 4 stars; one submission).

Conditions:
Inborn genetic diseases. Identifiers: MedGen C0950123, MeSH D030342.

Submission:

Ambry Genetics
Classification: Uncertain significance for Inborn genetic diseases. Last evaluated: 2026-03-02. Review status: criteria provided, single submitter. Criteria: Ambry Variant Classification Scheme 2023. Collection method: clinical testing. Allele origin: germline.
Comment: The p.E880A variant (also known as c.2639A>C), located in coding exon 1 of the SAMD9 gene, results from an A to C substitution at nucleotide position 2639. The glutamic acid at codon 880 is replaced by alanine, an amino acid with dissimilar properties. This amino acid position is conserved. In addition, this alteration is predicted to be tolerated by in silico analysis. Based on the available evidence, the clinical significance of this variant remains unclear.